The following is an entry in ClinVar:

ClinVar aggregate classification (germline): Uncertain significance. Review status: criteria provided, multiple submitters, no conflicts (2 of 4 stars). 2 submissions from 2 submitters: Uncertain significance (2). Last evaluated 2022-09-22.

Allele frequency attached by ClinVar (database versions not stated): gnomAD exomes 0.00005 and 0.00007; ExAC 0.00007; ESP Exome Variant Server 0.00015; gnomAD 0.00015 and 0.00016; 1000 Genomes Project 30x 0.00016; 1000 Genomes Project 0.00020.
gnomAD v4.1: 119 of 1,613,702 alleles (0.0074%); highest among the groups gnomAD compares: African/African-American, 0.024%; no homozygotes.

Submissions (2):

Labcorp Genetics (formerly Invitae), Labcorp
Classification: Uncertain significance. Last evaluated: 2022-09-22. Review status: criteria provided, single submitter. Criteria: Invitae Variant Classification Sherloc (09022015). Collection method: clinical testing. Allele origin: germline.
Comment: This sequence change replaces glutamic acid, which is acidic and polar, with glycine, which is neutral and non-polar, at codon 441 of the ERCC6 protein (p.Glu441Gly). This variant is present in population databases (rs116733341, gnomAD 0.02%). This variant has not been reported in the literature in individuals affected with ERCC6-related conditions. Advanced modeling of protein sequence and biophysical properties (such as structural, functional, and spatial information, amino acid conservation, physicochemical variation, residue mobility, and thermodynamic stability) performed at Invitae indicates that this missense variant is not expected to disrupt ERCC6 protein function. In summary, the available evidence is currently insufficient to determine the role of this variant in disease. Therefore, it has been classified as a Variant of Uncertain Significance.

GeneDx
Classification: Uncertain significance. Last evaluated: 2022-02-17. Review status: criteria provided, single submitter. Criteria: GeneDx Variant Classification Process June 2021. Collection method: clinical testing. Allele origin: germline. Affected: yes.
Comment: In silico analysis supports that this missense variant does not alter protein structure/function; Has not been previously published as pathogenic or benign to our knowledge

NM_000124.4(ERCC6):c.1322A>G (p.Glu441Gly)

Genes: ERCC6 (ERCC excision repair 6, chromatin remodeling factor; minus strand), PGBD3 (piggyBac transposable element derived 3; minus strand). Cytogenetic location: 10q11.23.
Variant type: single nucleotide variant.
Coding change: c.1322A>G on transcript NM_000124.4 (MANE Select); coding-DNA position 1322, A replaced by G.
Protein change: p.Glu441Gly; replaces glutamic acid 441 with glycine.
Molecular consequence: missense variant. On other transcripts: 5 prime UTR variant (1).
Genome position (GRCh38, 1-based): chr10:49,524,108, T>C on the plus strand (A>G on the coding strand, the complement: ERCC6 is on the minus strand). VCF-style: chr10-49524108-T-C. GRCh37 (hg19) VCF-style: chr10-50732154-T-C.
Other names: c.1322A>G, p.Glu441Gly (NM_001277058.2, NM_001277059.2, NM_001346440.2); c.-83A>G (NM_170753.3); short protein forms E441G.
Identifiers: ClinVar variation 1702814 (VCV001702814.4), dbSNP rs116733341, ClinGen allele CA5496351.
Genomic context (GRCh38, chr10:49,524,108, plus strand): 5'-TAATAATCTTCATCTCCATCATCTCGGTATCTTCCCACTTTCCGACCTCCTCCTCCTCCT[T>C]CTCCTACAGAAGCAGCTTCAGCTTCTTCCCCAGAACTTGGGAAAAAGTCATCATCAATCT-3'
Protein context (NP_000115.1, residues 431-451): GEEAEAASVG[Glu441Gly]GGGGGRKVGR